The following is an entry in ClinVar:

ClinVar aggregate classification (germline): Uncertain significance (1 of 4 stars; one submission).

Conditions:
Gastrointestinal stromal tumor. Also called: Gastrointestinal stromal tumor, somatic; Gastrointestinal stroma tumor. Identifiers: Orphanet 44890, MedGen C0238198, MeSH D046152, MONDO:0011719, OMIM 606764, HP:0100723.

Submission:

Labcorp Genetics (formerly Invitae), Labcorp
Classification: Uncertain significance for Gastrointestinal stromal tumor. Last evaluated: 2020-08-09. Review status: criteria provided, single submitter. Criteria: Invitae Variant Classification Sherloc (09022015). Collection method: clinical testing. Allele origin: germline.
Comment: This sequence change replaces serine with cysteine at codon 821 of the KIT protein (p.Ser821Cys). The serine residue is highly conserved and there is a moderate physicochemical difference between serine and cysteine. This variant is not present in population databases (ExAC no frequency). This variant has not been reported in the literature in individuals with KIT-related conditions. Algorithms developed to predict the effect of missense changes on protein structure and function (SIFT, PolyPhen-2, Align-GVGD) all suggest that this variant is likely to be disruptive, but these predictions have not been confirmed by published functional studies and their clinical significance is uncertain. In summary, the available evidence is currently insufficient to determine the role of this variant in disease. Therefore, it has been classified as a Variant of Uncertain Significance.

NM_000222.3(KIT):c.2462C>G (p.Ser821Cys)

Gene: KIT (KIT proto-oncogene, receptor tyrosine kinase; plus strand). Cytogenetic location: 4q12.
Variant type: single nucleotide variant.
Coding change: c.2462C>G on transcript NM_000222.3 (MANE Select); coding-DNA position 2462, C replaced by G.
Protein change: p.Ser821Cys; replaces serine 821 with cysteine.
Molecular consequence: missense variant.
Genome position (GRCh38, 1-based): chr4:54,733,170, C>G. VCF-style: chr4-54733170-C-G. GRCh37 (hg19) VCF-style: chr4-55599336-C-G.
Other names: c.2450C>G, p.Ser817Cys (NM_001093772.2, NM_001385292.1); c.2465C>G, p.Ser822Cys (NM_001385284.1); c.2459C>G, p.Ser820Cys (NM_001385285.1); c.2447C>G, p.Ser816Cys (NM_001385286.1); c.2453C>G, p.Ser818Cys (NM_001385288.1); c.2462C>G, p.Ser821Cys (NM_001385290.1); short protein forms S816C, S817C, S818C, S820C, S821C, S822C.
Identifiers: ClinVar variation 1009776 (VCV001009776.9), dbSNP rs1722713882, ClinGen allele CA356911963.